The following is an entry in ClinVar:

ClinVar aggregate classification (germline): Uncertain significance (1 of 4 stars; one submission).

Submission:

Ambry Genetics
Classification: Uncertain significance. Last evaluated: 2023-12-02. Review status: criteria provided, single submitter. Criteria: Ambry Variant Classification Scheme 2023. Collection method: clinical testing. Allele origin: germline.
Comment: The p.H273Y variant (also known as c.817C>T), located in coding exon 6 of the BUB3 gene, results from a C to T substitution at nucleotide position 817. The histidine at codon 273 is replaced by tyrosine, an amino acid with similar properties. This amino acid position is conserved. In addition, the in silico prediction for this alteration is inconclusive. Since supporting evidence is limited at this time, the clinical significance of this alteration remains unclear.

NM_004725.4(BUB3):c.817C>T (p.His273Tyr)

Gene: BUB3 (BUB3 mitotic checkpoint protein; plus strand). Cytogenetic location: 10q26.13.
Variant type: single nucleotide variant.
Coding change: c.817C>T on transcript NM_004725.4 (MANE Select); coding-DNA position 817, C replaced by T.
Protein change: p.His273Tyr; replaces histidine 273 with tyrosine.
Molecular consequence: missense variant.
Genome position (GRCh38, 1-based): chr10:123,162,674, C>T. VCF-style: chr10-123162674-C-T. GRCh37 (hg19) VCF-style: chr10-124922190-C-T.
Other names: c.817C>T, p.His273Tyr (NM_001007793.3); short protein forms H273Y.
Identifiers: ClinVar variation 3224521 (VCV003224521.1), dbSNP rs2493766835, ClinGen allele CA378626984.
Genomic context (GRCh38, chr10:123,162,674, plus strand): 5'-GGTTCTGATGGCTTTGTAAATATTTGGGATCCATTTAACAAAAAGCGACTGTGCCAATTC[C>T]ATCGGTACCCCACGAGCATCGCATCACTTGCCTTCAGTAATGATGGGACTACGCTTGCAA-3'
Protein context (NP_004716.1, residues 263-283): PFNKKRLCQF[His273Tyr]RYPTSIASLA